The following is an entry in ClinVar:

NM_024426.6(WT1):c.1390A>G (p.Lys464Glu)

Gene: WT1 (WT1 transcription factor; minus strand). Cytogenetic location: 11p13.
Variant type: single nucleotide variant.
Coding change: c.1390A>G on transcript NM_024426.6 (MANE Select); coding-DNA position 1390, A replaced by G.
Protein change: p.Lys464Glu; replaces lysine 464 with glutamic acid.
Molecular consequence: missense variant. On other transcripts: non-coding transcript variant (2), intron variant (2).
Genome position (GRCh38, 1-based): chr11:32,392,029, T>C on the plus strand (A>G on the coding strand, the complement: WT1 is on the minus strand). VCF-style: chr11-32392029-T-C. GRCh37 (hg19) VCF-style: chr11-32413575-T-C.
Other names: c.1339A>G, p.Lys447Glu (NM_000378.6, NM_001407045.1); c.739A>G, p.Lys247Glu (NM_001198551.2); c.688A>G, p.Lys230Glu (NM_001198552.2); c.202A>G, p.Lys68Glu (NM_001367854.1); c.1384A>G, p.Lys462Glu (NM_001407044.1); c.1267A>G, p.Lys423Glu (NM_001407047.1); c.1249A>G, p.Lys417Glu (NM_001407048.1); c.1216A>G, p.Lys406Glu (NM_001407050.1); and 5 more; short protein forms K210E, K230E, K247E, K406E, K417E, K423E, K442E, K447E.
Identifiers: ClinVar variation 2575789 (VCV002575789.2), dbSNP rs2132914758, ClinGen allele CA379958890.
Genomic context (GRCh38, chr11:32,392,029, plus strand): 5'-CACTTGTTTTACCTGTATGAGTCCTGGTGTGGGTCTTCAGGTGGTCGGACCGGGAGAACT[T>C]TCGCTGACAAGTTTTACACTGGAATGGTTTCACACCTAAATGGACAGAGAAGGTCTAGCC-3'
Protein context (NP_077744.4, residues 454-474): KPFQCKTCQR[Lys464Glu]FSRSDHLKTH

ClinVar aggregate classification (germline): Uncertain significance. Review status: criteria provided, multiple submitters, no conflicts (2 of 4 stars). 2 submissions from 2 submitters: Uncertain significance (2). Last evaluated 2025-06-24.

Conditions:
Inborn genetic diseases. Identifiers: MedGen C0950123, MeSH D030342.

Submissions (2):

Ambry Genetics
Classification: Uncertain significance for Inborn genetic diseases. Last evaluated: 2025-06-24. Review status: criteria provided, single submitter. Criteria: Ambry Variant Classification Scheme 2023. Collection method: clinical testing. Allele origin: germline.
Comment: The p.K459E variant (also known as c.1375A>G), located in coding exon 9 of the WT1 gene, results from an A to G substitution at nucleotide position 1375. The lysine at codon 459 is replaced by glutamic acid, an amino acid with similar properties. This amino acid position is highly conserved in available vertebrate species. In addition, the in silico prediction for this alteration is inconclusive. Based on the available evidence, the clinical significance of this variant remains unclear.

GeneDx
Classification: Uncertain significance. Last evaluated: 2023-02-10. Review status: criteria provided, single submitter. Criteria: GeneDx Variant Classification Process June 2021. Collection method: clinical testing. Allele origin: germline. Affected: yes.
Comment: Not observed at significant frequency in large population cohorts (gnomAD); In silico analysis supports that this missense variant has a deleterious effect on protein structure/function; Has not been previously published as pathogenic or benign to our knowledge; This variant is associated with the following publications: (PMID: 29294058, 31125631)